The following is an entry in ClinVar:

NM_006270.5(RRAS):c.362A>G (p.Lys121Arg)

Gene: RRAS (RAS related; minus strand). Cytogenetic location: 19q13.33.
Variant type: single nucleotide variant.
Coding change: c.362A>G on transcript NM_006270.5 (MANE Select); coding-DNA position 362, A replaced by G.
Protein change: p.Lys121Arg; replaces lysine 121 with arginine.
Molecular consequence: missense variant.
Genome position (GRCh38, 1-based): chr19:49,636,710, T>C on the plus strand (A>G on the coding strand, the complement: RRAS is on the minus strand). VCF-style: chr19-49636710-T-C. GRCh37 (hg19) VCF-style: chr19-50139967-T-C.
Other names: c.362A>G (NM_006270.3); short protein forms K121R.
Identifiers: ClinVar variation 527795 (VCV000527795.16), dbSNP rs138124318, ClinGen allele CA9579043.

ClinVar aggregate classification (germline): Benign/Likely benign. Review status: criteria provided, multiple submitters, no conflicts (2 of 4 stars). 4 submissions from 4 submitters: Benign (1); Likely benign (3). Last evaluated 2026-01-26.

Conditions:
Noonan syndrome (NS). Also called: Noonan's syndrome. Identifiers: Orphanet 648, MedGen C0028326, MeSH D009634, MONDO:0018997. Disease mechanism: gain of function.

Allele frequency attached by ClinVar (database versions not stated): gnomAD exomes 0.00013 and 0.00037; ExAC 0.00044; gnomAD 0.00111 and 0.00121; 1000 Genomes Project 0.00120; 1000 Genomes Project 30x 0.00125; TOPMed 0.00127; ESP Exome Variant Server 0.00177.
gnomAD v4.1: 361 of 1,614,084 alleles (0.022%); highest among the groups gnomAD compares: African/African-American, 0.46%; 1 homozygote.

Submissions (4):

Labcorp Genetics (formerly Invitae), Labcorp
Classification: Likely benign for Noonan syndrome. Last evaluated: 2026-01-26. Review status: criteria provided, single submitter. Criteria: Invitae Variant Classification Sherloc (09022015). Collection method: clinical testing. Allele origin: germline.

Blueprint Genetics
Classification: Likely benign. Last evaluated: 2024-11-13. Review status: criteria provided, single submitter. Criteria: ACMG Guidelines, 2015. Collection method: clinical testing. Allele origin: germline.

Ambry Genetics
Classification: Likely benign. Last evaluated: 2023-02-04. Review status: criteria provided, single submitter. Criteria: Ambry Variant Classification Scheme 2023. Collection method: clinical testing. Allele origin: germline.

Women's Health and Genetics/Laboratory Corporation of America, LabCorp
Classification: Benign. Last evaluated: 2021-04-26. Review status: criteria provided, single submitter. Criteria: LabCorp Variant Classification Summary - May 2015. Collection method: clinical testing. Allele origin: germline.
Comment: Variant summary: RRAS c.362A>G (p.Lys121Arg) results in a conservative amino acid change located in the Small GTP-binding protein domain (IPR005225) of the encoded protein sequence. Three of five in-silico tools predict a benign effect of the variant on protein function. The variant allele was found at a frequency of 0.00037 in 251108 control chromosomes, predominantly at a frequency of 0.0056 within the African or African-American subpopulation in the gnomAD database, including 1 homozygote. The observed variant frequency within African or African-American control individuals in the gnomAD database is approximately 2240- fold the estimated maximal expected allele frequency for a pathogenic variant in RRAS causing Noonan Syndrome And Related Conditions phenotype (2.5e-06), strongly suggesting that the variant is a benign polymorphism found primarily in populations of African or African-American origin. To our knowledge, no occurrence of c.362A>G in individuals affected with Noonan Syndrome And Related Conditions and no experimental evidence demonstrating its impact on protein function have been reported. One other clinical diagnostic laboratory has submitted clinical-significance assessments for this variant to ClinVar after 2014 without evidence for independent evaluation and cited the variant as likely benign. Based on the evidence outlined above, the variant was classified as benign.